The following is an entry in ClinVar:

NM_001205293.3(CACNA1E):c.6727G>A (p.Asp2243Asn)

Gene: CACNA1E (calcium voltage-gated channel subunit alpha1 E; plus strand). Cytogenetic location: 1q25.3.
Variant type: single nucleotide variant.
Coding change: c.6727G>A on transcript NM_001205293.3 (MANE Select); coding-DNA position 6727, G replaced by A.
Protein change: p.Asp2243Asn; replaces aspartic acid 2243 with asparagine.
Molecular consequence: missense variant.
Genome position (GRCh38, 1-based): chr1:181,798,619, G>A. VCF-style: chr1-181798619-G-A. GRCh37 (hg19) VCF-style: chr1-181767755-G-A.
Other names: c.6598G>A, p.Asp2200Asn (NM_000721.4); c.6541G>A, p.Asp2181Asn (NM_001205294.2); short protein forms D2181N, D2200N, D2243N.
Identifiers: ClinVar variation 3372413 (VCV003372413.1).
Genomic context (GRCh38, chr1:181,798,619, plus strand): 5'-TCCCCACAGCGCTACATCTCCGAGCCCTACTTGGCCCTGCACGAAGACTCCCACGCCTCA[G>A]ACTGTGGTGAGGAGGAGACGCTCACTTTCGAAGCAGCCGTGGCTACTAGCCTGGGCCGTT-3'
Protein context (NP_001192222.1, residues 2233-2253): LALHEDSHAS[Asp2243Asn]CGEEETLTFE

ClinVar aggregate classification (germline): Uncertain significance (1 of 4 stars; one submission).

gnomAD v4.1: 1 of 1,613,000 alleles (0.000062%); highest among the groups gnomAD compares: South Asian, 0.0011%; no homozygotes.

Submission:

GeneDx
Classification: Uncertain significance. Last evaluated: 2024-04-11. Review status: criteria provided, single submitter. Criteria: GeneDx Variant Classification Process June 2021. Collection method: clinical testing. Allele origin: germline. Affected: yes.
Comment: Not observed at significant frequency in large population cohorts (gnomAD); In silico analysis indicates that this missense variant does not alter protein structure/function; Has not been previously published as pathogenic or benign to our knowledge